The following is an entry in ClinVar:

NM_001165963.4(SCN1A):c.2691G>C (p.Leu897Phe)

Gene: SCN1A (sodium voltage-gated channel alpha subunit 1; minus strand). Cytogenetic location: 2q24.3.
Variant type: single nucleotide variant.
Coding change: c.2691G>C on transcript NM_001165963.4 (MANE Select); coding-DNA position 2691, G replaced by C.
Protein change: p.Leu897Phe; replaces leucine 897 with phenylalanine.
Molecular consequence: missense variant. On other transcripts: non-coding transcript variant (1).
Genome position (GRCh38, 1-based): chr2:166,038,031, C>G on the plus strand (G>C on the coding strand, the complement: SCN1A is on the minus strand). VCF-style: chr2-166038031-C-G. GRCh37 (hg19) VCF-style: chr2-166894541-C-G.
Other names: c.2607G>C, p.Leu869Phe (NM_001353957.2, NM_001353958.2, NM_001165964.3); c.2604G>C, p.Leu868Phe (NM_001353960.2); c.249G>C, p.Leu83Phe (NM_001353961.2); c.2658G>C, p.Leu886Phe (NM_006920.6, NM_001353949.2, NM_001353950.2 and 2 more transcripts); c.2691G>C, p.Leu897Phe (NM_001202435.3, NM_001353948.2); c.2655G>C, p.Leu885Phe (NM_001353954.2, NM_001353955.2); short protein forms L83F, L868F, L869F, L885F, L886F, L897F.
Identifiers: ClinVar variation 1012963 (VCV001012963.39), dbSNP rs1574183148, ClinGen allele CA349061589.

ClinVar aggregate classification (germline): Likely pathogenic. Review status: criteria provided, multiple submitters, no conflicts (2 of 4 stars). 2 submissions from 2 submitters: Likely pathogenic (2). Last evaluated 2020-08-01.

Conditions:
Migraine, familial hemiplegic, 3. Identifiers: Orphanet 569, MedGen C1864987, MONDO:0012320, OMIM 609634.
Developmental and epileptic encephalopathy 6B. Also called: Developmental and epileptic encephalopathy 6B, non-Dravet. Identifiers: MedGen C5543353, MONDO:0030268, OMIM 619317.
Severe myoclonic epilepsy in infancy (DRVT). Also called: SEVERE MYOCLONIC EPILEPSY OF INFANCY; DEVELOPMENTAL AND EPILEPTIC ENCEPHALOPATHY 6A; Epileptic encephalopathy, early infantile, 6 (Dravet syndrome); Dravet syndrome; Severe Myoclonic Epilepsy in Infancy (SMEI). Identifiers: Orphanet 33069, MedGen C0751122, MONDO:0100135, OMIM 607208.
Generalized epilepsy with febrile seizures plus, type 2 (GEFSP2). Also called: GEFS+, TYPE 2. Identifiers: Orphanet 36387, MedGen C1858673, MONDO:0011461, OMIM 604403.

Submissions (2):

CeGaT Center for Human Genetics Tuebingen
Classification: Likely pathogenic. Last evaluated: 2020-08-01. Review status: criteria provided, single submitter. Criteria: CeGaT Center For Human Genetics Tuebingen Variant Classification Criteria Version 2. Collection method: clinical testing. Allele origin: germline. Affected: yes. Observed: 1 variant allele.

Juno Genomics, Hangzhou Juno Genomics, Inc
Classification: Likely pathogenic for Developmental and epileptic encephalopathy 6B; Severe myoclonic epilepsy in infancy; Generalized epilepsy with febrile seizures plus, type 2; Migraine, familial hemiplegic, 3. Review status: criteria provided, single submitter. Criteria: ACMG Guidelines, 2015. Collection method: clinical testing. Allele origin: germline. Affected: yes.
Comment: Absent from controls (or at extremely low frequency if recessive) in Genome Aggregation Database, Exome Sequencing Project, 1000 Genomes Project, or Exome Aggregation Consortium.;Multiple lines of computational evidence support a deleterious effect on the gene or gene product (conservation, evolutionary, splicing impact, etc).;Missense variant in a gene that has a low rate of benign missense variation and where missense variants are a common mechanism of disease.